The following is an entry in ClinVar:

NM_170707.4(LMNA):c.566G>C (p.Arg189Pro)

Gene: LMNA (lamin A/C; plus strand). Cytogenetic location: 1q22.
Variant type: single nucleotide variant.
Coding change: c.566G>C on transcript NM_170707.4 (MANE Select); coding-DNA position 566, G replaced by C.
Protein change: p.Arg189Pro; replaces arginine 189 with proline.
Molecular consequence: missense variant. On other transcripts: 5 prime UTR variant (4).
Genome position (GRCh38, 1-based): chr1:156,134,455, G>C. VCF-style: chr1-156134455-G-C. GRCh37 (hg19) VCF-style: chr1-156104246-G-C.
Other names: c.269G>C, p.Arg90Pro (NM_001406988.1); c.230G>C, p.Arg77Pro (NM_001406989.1, NM_001406998.1, NM_001257374.3); c.8G>C, p.Arg3Pro (NM_001406990.1, NM_001406993.1, NM_001406995.1 and 4 more transcripts); c.566G>C, p.Arg189Pro (NM_001406991.1, NM_001406992.1, NM_005572.4 and 6 more transcripts); c.-99G>C (NM_001406994.1, NM_001406999.1, NM_001407000.1 and 1 more transcripts); c.323G>C, p.Arg108Pro (NM_001282624.2, NM_001406986.1, NM_001406987.1); short protein forms R108P, R189P, R3P, R77P, R90P.
Identifiers: ClinVar variation 4764652 (VCV004764652.1).

ClinVar aggregate classification (germline): Pathogenic (1 of 4 stars; one submission).

Conditions:
Charcot-Marie-Tooth disease type 2. Also called: Charcot-Marie-Tooth type 2. Identifiers: Orphanet 64746, MedGen C0270914, MONDO:0018993.

Submission:

Labcorp Genetics (formerly Invitae), Labcorp
Classification: Pathogenic for Charcot-Marie-Tooth disease type 2. Last evaluated: 2025-12-30. Review status: criteria provided, single submitter. Criteria: Invitae Variant Classification Sherloc (09022015). Collection method: clinical testing. Allele origin: germline.
Comment: This sequence change replaces arginine, which is basic and polar, with proline, which is neutral and non-polar, at codon 189 of the LMNA protein (p.Arg189Pro). This variant is not present in population databases (gnomAD no frequency). This missense change has been observed in individual(s) with autosomal dominant limb-girdle muscular dystrophy (PMID: 20848652). In at least one individual the variant was observed to be de novo. Invitae Evidence Modeling of protein sequence and biophysical properties (such as structural, functional, and spatial information, amino acid conservation, physicochemical variation, residue mobility, and thermodynamic stability) indicates that this missense variant is expected to disrupt LMNA protein function with a positive predictive value of 95%. This variant disrupts the p.Arg189 amino acid residue in LMNA. Other variant(s) that disrupt this residue have been observed in individuals with LMNA-related conditions (PMID: 22326558), which suggests that this may be a clinically significant amino acid residue. For these reasons, this variant has been classified as Pathogenic.

Literature cited by the submitters: PubMed 20848652; PubMed 22326558.